The following is an entry in ClinVar:

ClinVar aggregate classification (germline): Uncertain significance. Review status: criteria provided, multiple submitters, no conflicts (2 of 4 stars). 2 submissions from 2 submitters: Uncertain significance (2). Last evaluated 2025-11-05.

Allele frequency attached by ClinVar (database versions not stated): gnomAD exomes 0.00011 and 0.00021; ExAC 0.00026; 1000 Genomes Project 30x 0.00047; 1000 Genomes Project 0.00060; TOPMed 0.00001; gnomAD 0.00004.
gnomAD v4.1: 168 of 1,610,716 alleles (0.01%); highest among the groups gnomAD compares: South Asian, 0.17%; 2 homozygotes.

Submissions (2):

Labcorp Genetics (formerly Invitae), Labcorp
Classification: Uncertain significance. Last evaluated: 2025-11-05. Review status: criteria provided, single submitter. Criteria: Invitae Variant Classification Sherloc (09022015). Collection method: clinical testing. Allele origin: germline.
Comment: This sequence change replaces lysine, which is basic and polar, with arginine, which is basic and polar, at codon 329 of the SYT2 protein (p.Lys329Arg). This variant is present in population databases (rs563864431, gnomAD 0.2%), including at least one homozygous and/or hemizygous individual. This variant has not been reported in the literature in individuals affected with SYT2-related conditions. ClinVar contains an entry for this variant (Variation ID: 1437586). Invitae Evidence Modeling of protein sequence and biophysical properties (such as structural, functional, and spatial information, amino acid conservation, physicochemical variation, residue mobility, and thermodynamic stability) has been performed for this missense variant. However, the output from this modeling did not meet the statistical confidence thresholds required to predict the impact of this variant on SYT2 protein function. In summary, the available evidence is currently insufficient to determine the role of this variant in disease. Therefore, it has been classified as a Variant of Uncertain Significance.

GeneDx
Classification: Uncertain significance. Last evaluated: 2023-01-23. Review status: criteria provided, single submitter. Criteria: GeneDx Variant Classification Process June 2021. Collection method: clinical testing. Allele origin: germline. Affected: yes.
Comment: In silico analysis supports that this missense variant has a deleterious effect on protein structure/function; Has not been previously published as pathogenic or benign to our knowledge

NM_177402.5(SYT2):c.986A>G (p.Lys329Arg)

Gene: SYT2 (synaptotagmin 2; minus strand). Cytogenetic location: 1q32.1.
Variant type: single nucleotide variant.
Coding change: c.986A>G on transcript NM_177402.5 (MANE Select); coding-DNA position 986, A replaced by G.
Protein change: p.Lys329Arg; replaces lysine 329 with arginine.
Molecular consequence: missense variant.
Genome position (GRCh38, 1-based): chr1:202,599,285, T>C on the plus strand (A>G on the coding strand, the complement: SYT2 is on the minus strand). VCF-style: chr1-202599285-T-C. GRCh37 (hg19) VCF-style: chr1-202568413-T-C.
Other names: c.986A>G, p.Lys329Arg (NM_001136504.1); c.986A>G (NM_177402.4); short protein forms K329R.
Identifiers: ClinVar variation 1437586 (VCV001437586.6), dbSNP rs563864431, ClinGen allele CA1333642.
Genomic context (GRCh38, chr1:202,599,285, plus strand): 5'-TGCTCGAAGGGGATCTCAAAGCTGAAGGACTCGTTGAAGTATGGGTTCAGGGTCTTCTTC[T>C]TCACGGTTGTCTTCTTCTTCTTGAGCCTCTTGCCATTCTGCATCAGGTGGATCTTCACGT-3'
Protein context (NP_796376.2, residues 319-339): KRLKKKKTTV[Lys329Arg]KKTLNPYFNE